The following is an entry in ClinVar:

NM_006231.4(POLE):c.5024G>T (p.Arg1675Leu)

Gene: POLE (DNA polymerase epsilon, catalytic subunit; minus strand). Cytogenetic location: 12q24.33.
Variant type: single nucleotide variant.
Coding change: c.5024G>T on transcript NM_006231.4 (MANE Select); coding-DNA position 5024, G replaced by T.
Protein change: p.Arg1675Leu; replaces arginine 1675 with leucine.
Molecular consequence: missense variant.
Genome position (GRCh38, 1-based): chr12:132,642,326, C>A on the plus strand (G>T on the coding strand, the complement: POLE is on the minus strand). VCF-style: chr12-132642326-C-A. GRCh37 (hg19) VCF-style: chr12-133218912-C-A.
Other names: short protein forms R1675L.
Identifiers: ClinVar variation 1016862 (VCV001016862.8), dbSNP rs1011938171, ClinGen allele CA387377305.

ClinVar aggregate classification (germline): Uncertain significance (1 of 4 stars; one submission).

Submission:

Labcorp Genetics (formerly Invitae), Labcorp
Classification: Uncertain significance. Last evaluated: 2020-06-21. Review status: criteria provided, single submitter. Criteria: Invitae Variant Classification Sherloc (09022015). Collection method: clinical testing. Allele origin: germline.
Comment: Algorithms developed to predict the effect of missense changes on protein structure and function (SIFT, PolyPhen-2, Align-GVGD) all suggest that this variant is likely to be disruptive, but these predictions have not been confirmed by published functional studies and their clinical significance is uncertain. This variant has not been reported in the literature in individuals with POLE-related conditions. This variant is not present in population databases (ExAC no frequency). This sequence change replaces arginine with leucine at codon 1675 of the POLE protein (p.Arg1675Leu). The arginine residue is highly conserved and there is a moderate physicochemical difference between arginine and leucine. In summary, the available evidence is currently insufficient to determine the role of this variant in disease. Therefore, it has been classified as a Variant of Uncertain Significance.